The following is an entry in ClinVar:

ClinVar aggregate classification (germline): Pathogenic (1 of 4 stars; one submission).

Allele frequency attached by ClinVar (database versions not stated): gnomAD exomes 0.00001; ExAC 0.00002.
gnomAD v4.1: 12 of 1,560,932 alleles (0.00077%); highest among the groups gnomAD compares: Non-Finnish European, 0.000088%; no homozygotes.

Submission:

Labcorp Genetics (formerly Invitae), Labcorp
Classification: Pathogenic. Last evaluated: 2023-04-04. Review status: criteria provided, single submitter. Criteria: Invitae Variant Classification Sherloc (09022015). Collection method: clinical testing. Allele origin: germline.
Comment: This sequence change replaces glycine, which is neutral and non-polar, with arginine, which is basic and polar, at codon 612 of the COL17A1 protein (p.Gly612Arg). This variant also falls at the last nucleotide of exon 22, which is part of the consensus splice site for this exon. This variant is present in population databases (rs762024275, gnomAD 0.04%). This missense change has been observed in individual(s) with junctional epidermolysis bullosa (PMID: 16354180). In at least one individual the data is consistent with being in trans (on the opposite chromosome) from a pathogenic variant. It has also been observed to segregate with disease in related individuals. Variants that disrupt the consensus splice site are a relatively common cause of aberrant splicing (PMID: 17576681, 9536098). Algorithms developed to predict the effect of sequence changes on RNA splicing suggest that this variant may disrupt the consensus splice site. For these reasons, this variant has been classified as Pathogenic.

Literature cited by the submitters: PubMed 16354180; PubMed 17576681; PubMed 9536098.

NM_000494.4(COL17A1):c.1834G>A (p.Gly612Arg)

Gene: COL17A1 (collagen type XVII alpha 1 chain; minus strand). Cytogenetic location: 10q25.1.
Variant type: single nucleotide variant.
Coding change: c.1834G>A on transcript NM_000494.4 (MANE Select); coding-DNA position 1834, G replaced by A.
Protein change: p.Gly612Arg; replaces glycine 612 with arginine.
Molecular consequence: missense variant.
Genome position (GRCh38, 1-based): chr10:104,053,920, C>T on the plus strand (G>A on the coding strand, the complement: COL17A1 is on the minus strand). VCF-style: chr10-104053920-C-T. GRCh37 (hg19) VCF-style: chr10-105813678-C-T.
Other names: short protein forms G612R.
Identifiers: ClinVar variation 2735487 (VCV002735487.3), dbSNP rs762024275, ClinGen allele CA5678852.